The following is an entry in ClinVar:

NM_000719.7(CACNA1C):c.6100A>T (p.Ser2034Cys)

Genes: CACNA1C (calcium voltage-gated channel subunit alpha1 C; plus strand), CACNA1C-AS1 (CACNA1C antisense RNA 1; minus strand). Cytogenetic location: 12p13.33.
Variant type: single nucleotide variant.
Coding change: c.6100A>T on transcript NM_000719.7 (MANE Select); coding-DNA position 6100, A replaced by T.
Protein change: p.Ser2034Cys; replaces serine 2034 with cysteine.
Molecular consequence: missense variant.
Genome position (GRCh38, 1-based): chr12:2,688,762, A>T. VCF-style: chr12-2688762-A-T. GRCh37 (hg19) VCF-style: chr12-2797928-A-T.
Other names: c.6244A>T, p.Ser2082Cys (NM_001129827.2); c.6223A>T, p.Ser2075Cys (NM_001129829.2); c.6205A>T, p.Ser2069Cys (NM_001129830.3, NM_001167624.3); c.6184A>T, p.Ser2062Cys (NM_001129831.2); c.6160A>T, p.Ser2054Cys (NM_001129832.2); c.6157A>T, p.Ser2053Cys (NM_001129833.2, NM_001129834.2, NM_001129835.2); c.6151A>T, p.Ser2051Cys (NM_001129836.2); c.6124A>T, p.Ser2042Cys (NM_001129837.2, NM_001129838.2); and 6 more; short protein forms S2023C, S2031C, S2034C, S2040C, S2042C, S2051C, S2053C, S2054C.
Identifiers: ClinVar variation 1021381 (VCV001021381.9), dbSNP rs1454941343, ClinGen allele CA383385474.
Genomic context (GRCh38, chr12:2,688,762, plus strand): 5'-GTCTCCCTCATGGTGCCCAGCCAGGCTGGGGCCCCAGGGAGGCAGTTCCACGGCAGTGCC[A>T]GCAGCCTGGTGGAAGCGGTAGGTGACTCGCAGATGGGCAGGGGGGAGAGGCCACGGGCAA-3'
Protein context (NP_000710.5, residues 2024-2044): APGRQFHGSA[Ser2034Cys]SLVEAVLISE

ClinVar aggregate classification (germline): Uncertain significance (1 of 4 stars; one submission).

Conditions:
Long QT syndrome (LQTS). Identifiers: MedGen C0023976, MeSH D008133, MONDO:0002442. Disease mechanism: loss of function. Inheritance: Various modes of inheritance.

Submission:

Labcorp Genetics (formerly Invitae), Labcorp
Classification: Uncertain significance for Long QT syndrome. Last evaluated: 2020-03-05. Review status: criteria provided, single submitter. Criteria: Invitae Variant Classification Sherloc (09022015). Collection method: clinical testing. Allele origin: germline.
Comment: In summary, the available evidence is currently insufficient to determine the role of this variant in disease. Therefore, it has been classified as a Variant of Uncertain Significance. Algorithms developed to predict the effect of missense changes on protein structure and function are either unavailable or do not agree on the potential impact of this missense change (SIFT: "Deleterious"; PolyPhen-2: "Possibly Damaging"; Align-GVGD: "Class C0"). This variant has not been reported in the literature in individuals with CACNA1C-related conditions. The frequency data for this variant in the population databases is considered unreliable, as metrics indicate insufficient coverage at this position in the ExAC database. This sequence change replaces serine with cysteine at codon 2034 of the CACNA1C protein (p.Ser2034Cys). The serine residue is moderately conserved and there is a moderate physicochemical difference between serine and cysteine.